The following is an entry in ClinVar:

ClinVar aggregate classification (germline): Uncertain significance (1 of 4 stars; one submission).

Conditions:
Hereditary cancer-predisposing syndrome. Also called: Hereditary Cancer Syndrome; Hereditary neoplastic syndrome; Neoplastic Syndromes, Hereditary; Tumor predisposition. Identifiers: Orphanet 140162, MedGen C0027672, MeSH D009386, MONDO:0015356.

Submission:

Ambry Genetics
Classification: Uncertain significance for Hereditary cancer-predisposing syndrome. Last evaluated: 2025-09-13. Review status: criteria provided, single submitter. Criteria: Ambry Variant Classification Scheme 2023. Collection method: clinical testing. Allele origin: germline.
Comment: The p.V1873E variant (also known as c.5618T>A), located in coding exon 10 of the BRCA2 gene, results from a T to A substitution at nucleotide position 5618. The valine at codon 1873 is replaced by glutamic acid, an amino acid with dissimilar properties. This amino acid position is conserved. In addition, the in silico prediction for this alteration is inconclusive. Based on the available evidence, the clinical significance of this variant remains unclear.

NM_000059.4(BRCA2):c.5618T>A (p.Val1873Glu)

Gene: BRCA2 (BRCA2 DNA repair associated; plus strand). Cytogenetic location: 13q13.1.
Variant type: single nucleotide variant.
Coding change: c.5618T>A on transcript NM_000059.4 (MANE Select); coding-DNA position 5618, T replaced by A.
Protein change: p.Val1873Glu; replaces valine 1873 with glutamic acid.
Molecular consequence: missense variant. On other transcripts: non-coding transcript variant (1), intron variant (2).
Genome position (GRCh38, 1-based): chr13:32,339,973, T>A. VCF-style: chr13-32339973-T-A. GRCh37 (hg19) VCF-style: chr13-32914110-T-A.
Other names: c.5618T>A, p.Val1873Glu (NM_001406719.1, NM_001406720.1, NM_001432077.1); c.1910-4585T>A (NM_001406721.1); c.425-4585T>A (NM_001406722.1); short protein forms V1873E.
Identifiers: ClinVar variation 4215944 (VCV004215944.1).